The following is an entry in ClinVar:

NM_144988.4(ALG14):c.289-2A>G

Gene: ALG14 (ALG14 UDP-N-acetylglucosaminyltransferase subunit; minus strand). Cytogenetic location: 1p21.3.
Variant type: single nucleotide variant.
Coding change: c.289-2A>G on transcript NM_144988.4 (MANE Select); the canonical splice acceptor site of the intron before coding-DNA position 289, A replaced by G.
Molecular consequence: splice acceptor variant.
Genome position (GRCh38, 1-based): chr1:95,027,262, T>C on the plus strand (A>G on the coding strand, the complement: ALG14 is on the minus strand). VCF-style: chr1-95027262-T-C. GRCh37 (hg19) VCF-style: chr1-95492818-T-C.
Other names: c.326-2A>G (NM_001305242.2).
Identifiers: ClinVar variation 1045748 (VCV001045748.4), dbSNP rs1673851343, ClinGen allele CA341364238.
Genomic context (GRCh38, chr1:95,027,262, plus strand): 5'-GGCCAGGACTGCTGAACCTCCCGGCTTCTTGGAATTCGGTGAATGTAGTATTTGGTATAC[T>C]AGAAGGAAACAGATGGAATCCAAATCAACTGAGTCACTGATATCAAAGTTAAACATAGTA-3'

ClinVar aggregate classification (germline): Uncertain significance (1 of 4 stars; one submission).

Conditions:
Congenital myasthenic syndrome 15. Also called: Myasthenic syndrome, congenital, 15, without tubular aggregates. Identifiers: Orphanet 353327, Orphanet 590, MedGen C4015596, MONDO:0014542, OMIM 616227.

Submission:

Labcorp Genetics (formerly Invitae), Labcorp
Classification: Uncertain significance for Congenital myasthenic syndrome 15. Last evaluated: 2020-09-21. Review status: criteria provided, single submitter. Criteria: Invitae Variant Classification Sherloc (09022015). Collection method: clinical testing. Allele origin: germline.
Comment: This sequence change affects an acceptor splice site in intron 2 of the ALG14 gene. It is expected to disrupt RNA splicing and likely results in an absent or disrupted protein product. This variant is not present in population databases (ExAC no frequency). This variant has not been reported in the literature in individuals with ALG14-related conditions. Algorithms developed to predict the effect of sequence changes on RNA splicing suggest that this variant may disrupt the consensus splice site, but this prediction has not been confirmed by published transcriptional studies. The current clinical and genetic evidence is not sufficient to establish whether loss-of-function variants in ALG14 cause disease. In summary, the available evidence is currently insufficient to determine the role of this variant in disease. Therefore, it has been classified as a Variant of Uncertain Significance.